The following is an entry in ClinVar:

NM_144997.7(FLCN):c.871+7C>T

Gene: FLCN (folliculin; minus strand). Cytogenetic location: 17p11.2.
Variant type: single nucleotide variant.
Coding change: c.871+7C>T on transcript NM_144997.7 (MANE Select); 7 bases into the intron after coding-DNA position 871, C replaced by T.
Molecular consequence: intron variant. On other transcripts: missense variant (1).
Genome position (GRCh38, 1-based): chr17:17,221,530, G>A on the plus strand (C>T on the coding strand, the complement: FLCN is on the minus strand). VCF-style: chr17-17221530-G-A. GRCh37 (hg19) VCF-style: chr17-17124844-G-A.
Other names: c.878C>T, p.Ala293Val (NM_144606.7); c.871+7C>T (NM_001353231.2, NM_001353230.2); c.925+7C>T (NM_001353229.2); short protein forms A293V.
Identifiers: ClinVar variation 4760902 (VCV004760902.1).

ClinVar aggregate classification (germline): Uncertain significance (1 of 4 stars; one submission).

Conditions:
Birt-Hogg-Dube syndrome. Also called: Birt Hogg Dubé syndrome. Identifiers: Orphanet 122, MedGen C0346010, MONDO:0800444.

Submission:

Labcorp Genetics (formerly Invitae), Labcorp
Classification: Uncertain significance for Birt-Hogg-Dube syndrome. Last evaluated: 2025-04-21. Review status: criteria provided, single submitter. Criteria: Invitae Variant Classification Sherloc (09022015). Collection method: clinical testing. Allele origin: germline.
Comment: This sequence change falls in intron 8 of the FLCN gene. It does not directly change the encoded amino acid sequence of the FLCN protein. This variant is not present in population databases (gnomAD no frequency). This variant has not been reported in the literature in individuals affected with FLCN-related conditions. Algorithms developed to predict the effect of sequence changes on RNA splicing suggest that this variant may disrupt the consensus splice site. In summary, the available evidence is currently insufficient to determine the role of this variant in disease. Therefore, it has been classified as a Variant of Uncertain Significance.